The following is an entry in ClinVar:

ClinVar aggregate classification (germline): Uncertain significance (1 of 4 stars; one submission).

Submission:

GeneDx
Classification: Uncertain significance. Last evaluated: 2023-11-21. Review status: criteria provided, single submitter. Criteria: GeneDx Variant Classification Process June 2021. Collection method: clinical testing. Allele origin: germline. Affected: yes.
Comment: Not observed at significant frequency in large population cohorts (gnomAD); In silico analysis supports that this missense variant does not alter protein structure/function; Has not been previously published as pathogenic or benign to our knowledge

NM_025114.4(CEP290):c.5510T>A (p.Leu1837His)

Gene: CEP290 (centrosomal protein 290; minus strand). Cytogenetic location: 12q21.32.
Variant type: single nucleotide variant.
Coding change: c.5510T>A on transcript NM_025114.4 (MANE Select); coding-DNA position 5510, T replaced by A.
Protein change: p.Leu1837His; replaces leucine 1837 with histidine.
Molecular consequence: missense variant.
Genome position (GRCh38, 1-based): chr12:88,077,773, A>T on the plus strand (T>A on the coding strand, the complement: CEP290 is on the minus strand). VCF-style: chr12-88077773-A-T. GRCh37 (hg19) VCF-style: chr12-88471550-A-T.
Other names: short protein forms L1837H.
Identifiers: ClinVar variation 3364620 (VCV003364620.1).